The following is an entry in ClinVar:

NM_001005361.3(DNM2):c.661G>A (p.Glu221Lys)

Gene: DNM2 (dynamin 2; plus strand). Cytogenetic location: 19p13.2.
Variant type: single nucleotide variant.
Coding change: c.661G>A on transcript NM_001005361.3 (MANE Select); coding-DNA position 661, G replaced by A.
Protein change: p.Glu221Lys; replaces glutamic acid 221 with lysine.
Molecular consequence: missense variant.
Genome position (GRCh38, 1-based): chr19:10,777,189, G>A. VCF-style: chr19-10777189-G-A. GRCh37 (hg19) VCF-style: chr19-10887865-G-A.
Other names: c.661G>A, p.Glu221Lys (NM_001005360.3, NM_001005362.3, NM_001190716.2 and 1 more transcripts); short protein forms E221K.
Identifiers: ClinVar variation 2197570 (VCV002197570.4), dbSNP rs2513157818, ClinGen allele CA404043486.

ClinVar aggregate classification (germline): Uncertain significance (1 of 4 stars; one submission).

Conditions:
Charcot-Marie-Tooth disease dominant intermediate B (CMTDIB). Also called: CHARCOT-MARIE-TOOTH NEUROPATHY, DOMINANT INTERMEDIATE B; Charcot-Marie-Tooth disease dominant intermediate 1; CMT DI1; Charcot-Marie-Tooth disease dominant intermediate I. Identifiers: Orphanet 100044, Orphanet 228179, MedGen C1847902, MONDO:0011674, OMIM 606482.

Submission:

Labcorp Genetics (formerly Invitae), Labcorp
Classification: Uncertain significance for Charcot-Marie-Tooth disease dominant intermediate B. Last evaluated: 2025-11-09. Review status: criteria provided, single submitter. Criteria: Invitae Variant Classification Sherloc (09022015). Collection method: clinical testing. Allele origin: germline.
Comment: This sequence change replaces glutamic acid, which is acidic and polar, with lysine, which is basic and polar, at codon 221 of the DNM2 protein (p.Glu221Lys). This variant is not present in population databases (gnomAD no frequency). This variant has not been reported in the literature in individuals affected with DNM2-related conditions. ClinVar contains an entry for this variant (Variation ID: 2197570). Invitae Evidence Modeling of protein sequence and biophysical properties (such as structural, functional, and spatial information, amino acid conservation, physicochemical variation, residue mobility, and thermodynamic stability) indicates that this missense variant is expected to disrupt DNM2 protein function with a positive predictive value of 80%. In summary, the available evidence is currently insufficient to determine the role of this variant in disease. Therefore, it has been classified as a Variant of Uncertain Significance.